The following is an entry in ClinVar:

ClinVar aggregate classification (germline): Likely benign (1 of 4 stars; one submission).

Conditions:
PEX5-related disorder. Also called: PEX5-Related Disorders; PEX5-related condition.

Submission:

PreventionGenetics, part of Exact Sciences
Classification: Likely benign for PEX5-related condition. Last evaluated: 2025-02-28. Review status: criteria provided, single submitter. Criteria: ACMG Guidelines, 2015. Collection method: clinical testing. Allele origin: germline.
Comment: This variant is classified as likely benign based on ACMG/AMP sequence variant interpretation guidelines (Richards et al. 2015 PMID: 25741868, with internal and published modifications).

NM_001351132.2(PEX5):c.1278A>C (p.Leu426=)

Gene: PEX5 (peroxisomal biogenesis factor 5; plus strand). Cytogenetic location: 12p13.31.
Variant type: single nucleotide variant.
Coding change: c.1278A>C on transcript NM_001351132.2 (MANE Select); coding-DNA position 1278, A replaced by C.
Protein change: p.Leu426=; no amino-acid change (leucine 426 retained).
Molecular consequence: synonymous variant.
Genome position (GRCh38, 1-based): chr12:7,208,553, A>C. VCF-style: chr12-7208553-A-C. GRCh37 (hg19) VCF-style: chr12-7361149-A-C.
Other names: c.1254A>C, p.Leu418= (NM_000319.5); c.1323A>C, p.Leu441= (NM_001131023.2); c.1167A>C, p.Leu389= (NM_001131024.2, NM_001351124.3, NM_001351126.2 and 7 more transcripts); c.1278A>C, p.Leu426= (NM_001131025.2, NM_001131026.2, NM_001300789.3 and 4 more transcripts); c.1212A>C, p.Leu404= (NM_001351135.3, NM_001351138.2); c.1269A>C, p.Leu423= (NM_001351136.2); c.1143A>C, p.Leu381= (NM_001351139.2, NM_001351140.2, NM_001374649.2).
Identifiers: ClinVar variation 5002042 (VCV005002042.1).